The following is an entry in ClinVar:

NM_018341.3(ERMARD):c.1165C>G (p.Gln389Glu)

Gene: ERMARD (ER membrane associated RNA degradation; plus strand). Cytogenetic location: 6q27.
Variant type: single nucleotide variant.
Coding change: c.1165C>G on transcript NM_018341.3 (MANE Select); coding-DNA position 1165, C replaced by G.
Protein change: p.Gln389Glu; replaces glutamine 389 with glutamic acid.
Molecular consequence: missense variant.
Genome position (GRCh38, 1-based): chr6:169,769,645, C>G. VCF-style: chr6-169769645-C-G. GRCh37 (hg19) VCF-style: chr6-170169741-C-G.
Other names: c.1165C>G, p.Gln389Glu (NM_001278531.2, NM_001278533.2); c.787C>G, p.Gln263Glu (NM_001278532.2); c.757C>G, p.Gln253Glu (NM_001410957.1); short protein forms Q253E, Q263E, Q389E.
Identifiers: ClinVar variation 4688409 (VCV004688409.1).

ClinVar aggregate classification (germline): Uncertain significance (1 of 4 stars; one submission).

gnomAD v4.1: 3 of 1,612,694 alleles (0.00019%); highest among the groups gnomAD compares: African/African-American, 0.0027%; no homozygotes.

Submission:

Women's Health and Genetics/Laboratory Corporation of America, LabCorp
Classification: Uncertain significance. Last evaluated: 2025-12-10. Review status: criteria provided, single submitter. Criteria: LabCorp Variant Classification Summary - May 2015. Collection method: clinical testing. Allele origin: germline.
Comment: Variant summary: ERMARD c.1165C>G (p.Gln389Glu) results in a conservative amino acid change in the encoded protein sequence. Algorithms developed to predict the effect of missense changes on protein structure and function all suggest that this variant is likely to be tolerated. The variant was absent in 249630 control chromosomes. The available data on variant occurrences in the general population are insufficient to allow any conclusion about variant significance. To our knowledge, no occurrence of c.1165C>G in individuals affected with ERMARD-related conditions and no experimental evidence demonstrating its impact on protein function have been reported. No submitters have cited clinical-significance assessments for this variant to ClinVar. Based on the evidence outlined above, the variant was classified as uncertain significance.